The following is an entry in ClinVar:

NM_001037.5(SCN1B):c.419AGA[3] (p.Lys141_Ile142insLys)

Gene: SCN1B (sodium voltage-gated channel beta subunit 1; plus strand). Cytogenetic location: 19q13.11.
Variant type: Microsatellite.
Coding change: c.419AGA[3] on transcript NM_001037.5 (MANE Select); three copies in a row of the 3-base unit AGA starting at c.419; the reference has two copies in a row; one copy, 3 bases duplicated.
Protein change: p.Lys141_Ile142insLys.
Genome position (GRCh38, 1-based): chr19:35,033,713-35,033,715, AGA duplicated; duplicating any 3 consecutive bases within chr19:35,033,709-35,033,715 gives the same sequence; the position shown is the placement nearest the transcript's 3' end. VCF-style (leftmost placement, unchanged base first): chr19-35033708-C-CAAG. GRCh37 (hg19) VCF-style: chr19-35524612-C-CAAG.
Other names: c.320AGA[3], p.Lys108_Ile109insLys (NM_001321605.2); c.419AGA[3], p.Lys141_Ile142insLys (NM_199037.5).
Identifiers: ClinVar variation 3641602 (VCV003641602.2).
Genomic context (GRCh38, chr19:35,033,708, plus strand): 5'-CGAGTGCCACGTCTACCGCCTGCTCTTCTTCGAAAACTACGAGCACAACACCAGCGTCGT[C>CAAG]AAGAAGATCCACATTGAGGTAGTGGACAAAGGTGAGTCGGGTGCTGCCTGCCCCTTTACC-3'

ClinVar aggregate classification (germline): Uncertain significance (1 of 4 stars; one submission).

Conditions:
Brugada syndrome 5 (BRGDA5). Identifiers: Orphanet 130, Orphanet 871, MedGen C2748541, MONDO:0013015, OMIM 612838.

Submission:

Labcorp Genetics (formerly Invitae), Labcorp
Classification: Uncertain significance for Brugada syndrome 5. Last evaluated: 2024-02-17. Review status: criteria provided, single submitter. Criteria: Invitae Variant Classification Sherloc (09022015). Collection method: clinical testing. Allele origin: germline.
Comment: This variant, c.422_424dup, results in the insertion of 1 amino acid(s) of the SCN1B protein (p.Lys141dup), but otherwise preserves the integrity of the reading frame. This variant is not present in population databases (gnomAD no frequency). This variant has not been reported in the literature in individuals affected with SCN1B-related conditions. In summary, the available evidence is currently insufficient to determine the role of this variant in disease. Therefore, it has been classified as a Variant of Uncertain Significance.